The following is an entry in ClinVar:

NM_016648.4(LARP7):c.1083_1086del (p.Lys361fs)

Genes: LARP7 (La ribonucleoprotein 7, transcriptional regulator; plus strand), MIR302CHG (miR-302/367 cluster host gene; minus strand). Cytogenetic location: 4q25.
Variant type: Deletion.
Coding change: c.1083_1086del on transcript NM_016648.4 (MANE Select); coding-DNA positions 1083 to 1086, 4 bases deleted (AAAA; older notation c.1083_1086delAAAA).
Protein change: p.Lys361fs; shifts the reading frame from lysine 361.
Molecular consequence: frameshift variant.
Genome position (GRCh38, 1-based): chr4:112,647,775-112,647,778, AAAA deleted; deleting any 4 consecutive bases within chr4:112,647,773-112,647,778 gives the same sequence; the c. name uses the placement nearest the transcript's 3' end. VCF-style (leftmost placement, unchanged base first): chr4-112647772-GAAAA-G. GRCh37 (hg19) VCF-style: chr4-113568928-GAAAA-G.
Other names: c.1083_1086del, p.Lys361fs (NM_001267039.4, NM_001370978.1, NM_015454.3); c.1122_1125del, p.Lys374fs (NM_001370974.1, NM_001370975.1); c.1119_1122del, p.Lys373fs (NM_001370976.1, NM_001370977.1); c.1080_1083del, p.Lys360fs (NM_001370979.1, NM_001370980.1); c.846_849del, p.Lys282fs (NM_001370981.1, NM_001370982.1); short protein forms K282fs, K360fs, K361fs, K373fs, K374fs.
Identifiers: ClinVar variation 4850891 (VCV004850891.1).

ClinVar aggregate classification (germline): Pathogenic (1 of 4 stars; one submission).

Conditions:
Microcephalic primordial dwarfism, Alazami type. Also called: FACIAL DYSMORPHISM, INTELLECTUAL DISABILITY, AND PRIMORDIAL DWARFISM; Alazami syndrome. Identifiers: Orphanet 319671, MedGen C3554439, MONDO:0014031, OMIM 615071.

Submission:

Precision Medical Center, Wuhan Children's Hospital
Classification: Pathogenic for Microcephalic primordial dwarfism, Alazami type. Last evaluated: 2026-05-14. Review status: criteria provided, single submitter. Criteria: ACMG Guidelines, 2015. Collection method: clinical testing. Allele origin: germline. Inheritance: Autosomal recessive inheritance. Affected: yes. Observed: 1 variant allele, 1 compound heterozygote.
Comment: NM_016648.4: c.1083_1086del, is a frameshift mutation in LARP7 gene . which likely results in an absent or disrupted protein product (PVS1); The variation does not exist or is very rare in the population database(PM2); In recessive genetic diseases(AR), pathogenic variations are detected at the trans allele; In summary, this variant meets criteria to be classified as pathogenic

Literature cited by the submitters: PubMed 22865833.